The following is an entry in ClinVar:

ClinVar aggregate classification (germline): Benign/Likely benign. Review status: criteria provided, multiple submitters, no conflicts (2 of 4 stars). 5 submissions from 5 submitters: Benign (3); Likely benign (2). Last evaluated 2026-09-01.

Allele frequency attached by ClinVar (database versions not stated): ESP Exome Variant Server 0.00031; TOPMed 0.00036; gnomAD exomes 0.00073 and 0.00127; gnomAD 0.00080 and 0.00081; ExAC 0.00163; 1000 Genomes Project 30x 0.00016; 1000 Genomes Project 0.00020.

Submissions (5):

CeGaT Center for Human Genetics Tuebingen
Classification: Likely benign. Last evaluated: 2026-09-01. Review status: criteria provided, single submitter. Criteria: CeGaT Center For Human Genetics Tuebingen Variant Classification Criteria Version 2. Collection method: clinical testing. Allele origin: germline. Affected: yes. Observed: 3 variant alleles.
Comment: SPTBN2: BP4, BP7

Labcorp Genetics (formerly Invitae), Labcorp
Classification: Benign. Last evaluated: 2025-12-15. Review status: criteria provided, single submitter. Criteria: Invitae Variant Classification Sherloc (09022015). Collection method: clinical testing. Allele origin: germline.

Mayo Clinic Laboratories, Mayo Clinic
Classification: Benign. Last evaluated: 2025-09-30. Review status: criteria provided, single submitter. Criteria: ACMG Guidelines, 2015. Collection method: clinical testing. Allele origin: germline. Observed: 1 variant allele.
Comment: BA1, BP4, BP7

Blueprint Genetics
Classification: Likely benign. Last evaluated: 2024-11-06. Review status: criteria provided, single submitter. Criteria: ACMG Guidelines, 2015. Collection method: clinical testing. Allele origin: germline.

Athena Diagnostics
Classification: Benign. Last evaluated: 2017-07-27. Review status: criteria provided, single submitter. Criteria: Athena Diagnostics Criteria. Collection method: clinical testing. Allele origin: germline.

NM_006946.4(SPTBN2):c.2904G>A (p.Thr968=)

Gene: SPTBN2 (spectrin beta, non-erythrocytic 2; minus strand). Cytogenetic location: 11q13.2.
Variant type: single nucleotide variant.
Coding change: c.2904G>A on transcript NM_006946.4 (MANE Select); coding-DNA position 2904, G replaced by A.
Protein change: p.Thr968=; no amino-acid change (threonine 968 retained).
Molecular consequence: synonymous variant.
Genome position (GRCh38, 1-based): chr11:66,701,195, C>T on the plus strand (G>A on the coding strand, the complement: SPTBN2 is on the minus strand). VCF-style: chr11-66701195-C-T. GRCh37 (hg19) VCF-style: chr11-66468666-C-T.
Other names: p.Thr968=; c.2904G>A (NM_006946.3).
Identifiers: ClinVar variation 448489 (VCV000448489.35), dbSNP rs143948660, ClinGen allele CA6128982.